The following is an entry in ClinVar:

ClinVar aggregate classification (germline): Uncertain significance (1 of 4 stars; one submission).

Allele frequency attached by ClinVar (database versions not stated): TOPMed below 0.00001; gnomAD 0.00001; gnomAD exomes 0.00001.
gnomAD v4.1: 17 of 1,610,422 alleles (0.0011%); highest among the groups gnomAD compares: Non-Finnish European, 0.0014%; no homozygotes.

Submission:

Labcorp Genetics (formerly Invitae), Labcorp
Classification: Uncertain significance. Last evaluated: 2026-01-11. Review status: criteria provided, single submitter. Criteria: Invitae Variant Classification Sherloc (09022015). Collection method: clinical testing. Allele origin: germline.
Comment: This sequence change replaces glycine, which is neutral and non-polar, with aspartic acid, which is acidic and polar, at codon 700 of the DNA2 protein (p.Gly700Asp). The frequency data for this variant in the population databases is considered unreliable, as metrics indicate poor data quality at this position in the gnomAD database. This variant has not been reported in the literature in individuals affected with DNA2-related conditions. ClinVar contains an entry for this variant (Variation ID: 1922595). Invitae Evidence Modeling of protein sequence and biophysical properties (such as structural, functional, and spatial information, amino acid conservation, physicochemical variation, residue mobility, and thermodynamic stability) indicates that this missense variant is expected to disrupt DNA2 protein function with a positive predictive value of 80%. In summary, the available evidence is currently insufficient to determine the role of this variant in disease. Therefore, it has been classified as a Variant of Uncertain Significance.

NM_001080449.3(DNA2):c.2099G>A (p.Gly700Asp)

Gene: DNA2 (DNA replication helicase/nuclease 2; minus strand). Cytogenetic location: 10q21.3.
Variant type: single nucleotide variant.
Coding change: c.2099G>A on transcript NM_001080449.3 (MANE Select); coding-DNA position 2099, G replaced by A.
Protein change: p.Gly700Asp; replaces glycine 700 with aspartic acid.
Molecular consequence: missense variant.
Genome position (GRCh38, 1-based): chr10:68,430,545, C>T on the plus strand (G>A on the coding strand, the complement: DNA2 is on the minus strand). VCF-style: chr10-68430545-C-T. GRCh37 (hg19) VCF-style: chr10-70190302-C-T.
Other names: short protein forms G700D.
Identifiers: ClinVar variation 1922595 (VCV001922595.5), dbSNP rs1490846454, ClinGen allele CA376854293.